The following is an entry in ClinVar:

ClinVar aggregate classification (germline): Uncertain significance. Review status: criteria provided, single submitter (1 of 4 stars). 2 submissions from 2 submitters: Uncertain significance (1). 1 of the submissions does not count toward it. Last evaluated 2024-02-20.

Conditions:
Hearing loss, autosomal dominant 37. Also called: DEAFNESS, AUTOSOMAL DOMINANT 37. Identifiers: MedGen C4760307, MONDO:0032802, OMIM 618533.

Submissions (2):

GeneDx
Classification: Uncertain significance. Last evaluated: 2024-02-20. Review status: criteria provided, single submitter. Criteria: GeneDx Variant Classification Process June 2021. Collection method: clinical testing. Allele origin: germline. Affected: yes.
Comment: Not observed at significant frequency in large population cohorts (gnomAD); In silico analysis supports that this missense variant has a deleterious effect on protein structure/function; This variant is associated with the following publications: (PMID: 33605226)

OMIM
Classification: Pathogenic for DEAFNESS, AUTOSOMAL DOMINANT 37. Last evaluated: 2021-05-24. Review status: no assertion criteria provided. Collection method: literature only. Allele origin: germline. Not counted in ClinVar's aggregate classification.

Literature cited by the submitters: PubMed 33605226 (cited by OMIM).

NM_001854.4(COL11A1):c.494A>T (p.His165Leu)

Gene: COL11A1 (collagen type XI alpha 1 chain; minus strand). Cytogenetic location: 1p21.1.
Variant type: single nucleotide variant.
Coding change: c.494A>T on transcript NM_001854.4 (MANE Select); coding-DNA position 494, A replaced by T.
Protein change: p.His165Leu; replaces histidine 165 with leucine.
Molecular consequence: missense variant. On other transcripts: non-coding transcript variant (1).
Genome position (GRCh38, 1-based): chr1:103,074,775, T>A on the plus strand (A>T on the coding strand, the complement: COL11A1 is on the minus strand). VCF-style: chr1-103074775-T-A. GRCh37 (hg19) VCF-style: chr1-103540331-T-A.
Other names: c.494A>T, p.His165Leu (NM_001190709.2, NM_080629.3, NM_080630.4); short protein forms H165L.
Identifiers: ClinVar variation 1119973 (VCV001119973.2), dbSNP rs2102282139, ClinGen allele CA341166649.